The following is an entry in ClinVar:

NM_000143.4(FH):c.555+1G>A

Gene: FH (fumarate hydratase; minus strand). Cytogenetic location: 1q43.
Variant type: single nucleotide variant.
Coding change: c.555+1G>A on transcript NM_000143.4 (MANE Select); the canonical splice donor site of the intron after coding-DNA position 555, G replaced by A.
Molecular consequence: splice donor variant.
Genome position (GRCh38, 1-based): chr1:241,511,966, C>T on the plus strand (G>A on the coding strand, the complement: FH is on the minus strand). VCF-style: chr1-241511966-C-T. GRCh37 (hg19) VCF-style: chr1-241675266-C-T.
Identifiers: ClinVar variation 449388 (VCV000449388.9), dbSNP rs1375252870, ClinGen allele CA345439814.

ClinVar aggregate classification (germline): Pathogenic/Likely pathogenic. Review status: criteria provided, multiple submitters, no conflicts (2 of 4 stars). 5 submissions from 5 submitters: Pathogenic (3); Likely pathogenic (1). 1 of the submissions does not count toward it. Last evaluated 2025-01-02.

Conditions:
Hereditary cancer-predisposing syndrome. Also called: Neoplastic Syndromes, Hereditary; Hereditary Cancer Syndrome; Tumor predisposition; Hereditary neoplastic syndrome. Identifiers: Orphanet 140162, MedGen C0027672, MeSH D009386, MONDO:0015356.
Fumarase deficiency (FMRD). Also called: Fumaric aciduria; Fumarate Hydratase Deficiency. Identifiers: Orphanet 24, MedGen C0342770, MONDO:0011730, OMIM 606812.
Pheochromocytoma/paraganglioma syndrome 4. Also called: CAROTID BODY TUMORS AND MULTIPLE EXTRAADRENAL PHEOCHROMOCYTOMAS; SDHB-Related Hereditary Paraganglioma-Pheochromocytoma Syndrome (Paragangliomas 4); SDHB-Related Hereditary Paraganglioma-Pheochromocytoma Syndrome; PARAGANGLIOMA, FAMILIAL MALIGNANT; PARAGANGLIOMAS, HEREDITARY EXTRAADRENAL; PHEOCHROMOCYTOMA, FAMILIAL EXTRAADRENAL. Identifiers: Orphanet 29072, MedGen C1861848, MONDO:0007273, OMIM 115310.

Submissions (5):

Ambry Genetics
Classification: Pathogenic for Hereditary cancer-predisposing syndrome. Last evaluated: 2025-01-02. Review status: criteria provided, single submitter. Criteria: Ambry Variant Classification Scheme 2023. Collection method: clinical testing. Allele origin: germline.
Comment: The c.555+1G>A intronic pathogenic mutation results from a G to A substitution one nucleotide after coding exon 4 of the FH gene. Alterations that disrupt the canonical splice site are expected to result in aberrant splicing. In silico splice site analysis predicts that this alteration will weaken the native splice donor site and will result in the creation or strengthening of a novel splice donor site. A resulting transcript is predicted to be in-frame and is not expected to trigger nonsense-mediated mRNAdecay; although, direct evidence is unavailable. However, the region predicted to be impacted is critical for protein function and a significant portion of the protein is predicted to be impacted (Ambry internal data). This variant was reported in individual(s) with features consistent with Hereditary leiomyomatosis and renal cell cancer (HLRCC) (Badeloe S et al. Exp Dermatol, 2006 Sep;15:735-41; Mor&oacute;n M et al. Endocrinol Diabetes Nutr (Engl Ed), 2020 Apr;67:291-293) and demonstrated reduced FH enzyme activity in one study (Muller M et al. Clin Genet, 2017 Dec;92:606-615). This variant is considered to be rare based on population cohorts in the Genome Aggregation Database (gnomAD). This nucleotide position is highly conserved in available vertebrate species. Based on the supporting evidence, this variant is interpreted as a disease-causing mutation.

Baylor Genetics
Classification: Pathogenic for Fumarase deficiency. Last evaluated: 2023-08-31. Review status: criteria provided, single submitter. Criteria: ACMG Guidelines, 2015. Collection method: clinical testing. Allele origin: unknown.

Revvity Omics, Revvity
Classification: Pathogenic. Last evaluated: 2020-02-05. Review status: criteria provided, single submitter. Criteria: ACMG Guidelines, 2015. Collection method: clinical testing. Allele origin: germline.

GeneDx
Classification: Likely pathogenic. Last evaluated: 2017-09-28. Review status: criteria provided, single submitter. Criteria: GeneDx Variant Classification (06012015). Collection method: clinical testing. Allele origin: germline. Affected: yes.
Comment: This variant is denoted FH c.555+1G>A or IVS4+1G>A and consists of a G>A nucleotide substitution atthe +1 position of intron 4 of the FH gene. This variant destroys a canonical splice donor site and is predicted to causeabnormal gene splicing, leading to either an abnormal message that is subject to nonsense-mediated mRNA decay orto an abnormal protein product. This variant has been reported in at least one individual with a personal history ofcutaneous and uterine leiomyomas, and a fumarate hydratase enzyme assay found this variant's activity was reduced,compared to control activity (Badeloe 2006, Muller 2017). Based on the currently available information, we considerFH c.555+1G>A to be a likely pathogenic variant.

Diagnostics Centre, Carl Von Ossietzky University Oldenburg
Classification: Pathogenic for Pheochromocytoma/paraganglioma syndrome 4. Last evaluated: 2025-06-20. Review status: no assertion criteria provided. Collection method: clinical testing. Allele origin: germline. Affected: yes. Observed: 1 variant allele. Not counted in ClinVar's aggregate classification.
Comment: The variant FH:c.555+1G>A p.(?) is located in the canonical splice site after exon 4 of the FH gene and results from a guanine-to-adenine substitution at nucleotide position c.555+1. The altered splice product is suggested to preserve the reading frame. However, more than 10% of the protein is removed. The variant has been described in several publications (PMID: 28300276, 16881969) and has been classified as (Likely) pathogenic in four entries in Clinvar (VCV000449388.8). The variant is classified as very rare since it is absent in gnomAD v4.1.0. In summary, the variant is classified as Pathogenic.

Literature cited by the submitters: PubMed 16881969 (cited by Ambry Genetics and Diagnostics Centre, Carl Von Ossietzky University Oldenburg); PubMed 28300276 (cited by Ambry Genetics and Diagnostics Centre, Carl Von Ossietzky University Oldenburg); PubMed 31133476 (cited by Ambry Genetics).